The following is an entry in ClinVar:

NM_002734.5(PRKAR1A):c.892-5T>A

Gene: PRKAR1A (protein kinase cAMP-dependent type I regulatory subunit alpha; plus strand). Cytogenetic location: 17q24.2.
Variant type: single nucleotide variant.
Coding change: c.892-5T>A on transcript NM_002734.5 (MANE Select); 5 bases into the intron before coding-DNA position 892, T replaced by A.
Molecular consequence: intron variant.
Genome position (GRCh38, 1-based): chr17:68,529,915, T>A. VCF-style: chr17-68529915-T-A. GRCh37 (hg19) VCF-style: chr17-66526056-T-A.
Other names: c.892-5T>A (NM_001278433.2, NM_001369389.1, NM_212471.3 and 4 more transcripts).
Identifiers: ClinVar variation 4862501 (VCV004862501.1).

ClinVar aggregate classification (germline): Uncertain significance (1 of 4 stars; one submission).

Conditions:
Hereditary cancer-predisposing syndrome. Also called: Neoplastic Syndromes, Hereditary; Tumor predisposition; Hereditary Cancer Syndrome; Hereditary neoplastic syndrome. Identifiers: Orphanet 140162, MedGen C0027672, MeSH D009386, MONDO:0015356.

gnomAD v4.1: 1 of 1,613,926 alleles (0.000062%); highest among the groups gnomAD compares: Non-Finnish European, 0.000085%; no homozygotes.

Submission:

Ambry Genetics
Classification: Uncertain significance for Hereditary cancer-predisposing syndrome. Last evaluated: 2026-04-21. Review status: criteria provided, single submitter. Criteria: Ambry Variant Classification Scheme 2023. Collection method: clinical testing. Allele origin: germline.
Comment: The c.892-5T>A intronic variant results from a T to A substitution 5 nucleotides upstream from coding exon 9 in the PRKAR1A gene. This nucleotide position is well conserved in available vertebrate species. In silico splice site analysis for this alteration is inconclusive. Based on the available evidence, the clinical significance of this variant remains unclear.